The following is an entry in ClinVar:

ClinVar aggregate classification (germline): Uncertain significance (1 of 4 stars; one submission).

Allele frequency attached by ClinVar (database versions not stated): TOPMed below 0.00001.

Submission:

Ambry Genetics
Classification: Uncertain significance. Last evaluated: 2023-12-14. Review status: criteria provided, single submitter. Criteria: Ambry Variant Classification Scheme 2023. Collection method: clinical testing. Allele origin: germline.
Comment: The p.Q928R variant (also known as c.2783A>G), located in coding exon 13 of the NPAT gene, results from an A to G substitution at nucleotide position 2783. The glutamine at codon 928 is replaced by arginine, an amino acid with highly similar properties. This amino acid position is conserved. In addition, this alteration is predicted to be tolerated by in silico analysis. Since supporting evidence is limited at this time, the clinical significance of this alteration remains unclear.

NM_002519.3(NPAT):c.2783A>G (p.Gln928Arg)

Gene: NPAT (nuclear protein, coactivator of histone transcription; minus strand). Cytogenetic location: 11q22.3.
Variant type: single nucleotide variant.
Coding change: c.2783A>G on transcript NM_002519.3 (MANE Select); coding-DNA position 2783, A replaced by G.
Protein change: p.Gln928Arg; replaces glutamine 928 with arginine.
Molecular consequence: missense variant.
Genome position (GRCh38, 1-based): chr11:108,172,201, T>C on the plus strand (A>G on the coding strand, the complement: NPAT is on the minus strand). VCF-style: chr11-108172201-T-C. GRCh37 (hg19) VCF-style: chr11-108042928-T-C.
Other names: c.2783A>G, p.Gln928Arg (NM_001321307.1); short protein forms Q928R.
Identifiers: ClinVar variation 2618863 (VCV002618863.2), dbSNP rs2077957809, ClinGen allele CA382512246.